The following is an entry in ClinVar:

NM_000348.4(SRD5A2):c.699-1G>A

Gene: SRD5A2 (steroid 5 alpha-reductase 2; minus strand). Cytogenetic location: 2p23.1.
Variant type: single nucleotide variant.
Coding change: c.699-1G>A on transcript NM_000348.4 (MANE Select); the canonical splice acceptor site of the intron before coding-DNA position 699, G replaced by A.
Molecular consequence: splice acceptor variant.
Genome position (GRCh38, 1-based): chr2:31,526,263, C>T on the plus strand (G>A on the coding strand, the complement: SRD5A2 is on the minus strand). VCF-style: chr2-31526263-C-T. GRCh37 (hg19) VCF-style: chr2-31751333-C-T.
Identifiers: ClinVar variation 2674678 (VCV002674678.1), dbSNP rs2465619515, ClinGen allele CA346597833.

ClinVar aggregate classification (germline): Pathogenic (1 of 4 stars; one submission).

Conditions:
3-Oxo-5 alpha-steroid delta 4-dehydrogenase deficiency (PPSH). Also called: 46,XY disorder of sex development due to 5-alpha-reductase 2 deficiency; PSEUDOVAGINAL PERINEOSCROTAL HYPOSPADIAS; FAMILIAL INCOMPLETE MALE PSEUDOHERMAPHRODITISM, TYPE 2; MALE PSEUDOHERMAPHRODITISM DUE TO 5-ALPHA-REDUCTASE DEFICIENCY. Identifiers: Orphanet 753, MedGen C0268297, MONDO:0009923, OMIM 264600. Disease mechanism: loss of function.

Submission:

Clinical Biochemistry Laboratory, Health Services Laboratory
Classification: Pathogenic for 3-Oxo-5 alpha-steroid delta 4-dehydrogenase deficiency. Last evaluated: 2023-11-20. Review status: criteria provided, single submitter. Criteria: ACMG Guidelines, 2015. Collection method: clinical testing. Allele origin: germline. Affected: yes.
Comment: ACMG:PVS1 PM2 PM3 PP4

Literature cited by the submitters: PubMed 21402750.